The following is an entry in ClinVar:

ClinVar aggregate classification (germline): Uncertain significance. Review status: criteria provided, multiple submitters, no conflicts (2 of 4 stars). 5 submissions from 5 submitters: Uncertain significance (5). Last evaluated 2024-10-26.

Conditions:
Mismatch repair cancer syndrome 3. Identifiers: MedGen C5436807, MONDO:0030841, OMIM 619097.
Hereditary cancer-predisposing syndrome. Also called: Hereditary neoplastic syndrome; Hereditary Cancer Syndrome; Neoplastic Syndromes, Hereditary; Tumor predisposition. Identifiers: Orphanet 140162, MedGen C0027672, MeSH D009386, MONDO:0015356.
Hereditary nonpolyposis colorectal neoplasms. Identifiers: MedGen C0009405, MeSH D003123.

Submissions (5):

Labcorp Genetics (formerly Invitae), Labcorp
Classification: Uncertain significance for Hereditary nonpolyposis colorectal neoplasms. Last evaluated: 2024-10-26. Review status: criteria provided, single submitter. Criteria: Invitae Variant Classification Sherloc (09022015). Collection method: clinical testing. Allele origin: germline.
Comment: This sequence change replaces valine, which is neutral and non-polar, with isoleucine, which is neutral and non-polar, at codon 143 of the MSH6 protein (p.Val143Ile). This variant is not present in population databases (gnomAD no frequency). This variant has not been reported in the literature in individuals affected with MSH6-related conditions. ClinVar contains an entry for this variant (Variation ID: 234600). Invitae Evidence Modeling of protein sequence and biophysical properties (such as structural, functional, and spatial information, amino acid conservation, physicochemical variation, residue mobility, and thermodynamic stability) indicates that this missense variant is not expected to disrupt MSH6 protein function with a negative predictive value of 95%. In summary, the available evidence is currently insufficient to determine the role of this variant in disease. Therefore, it has been classified as a Variant of Uncertain Significance.

Color Diagnostics, LLC DBA Color Health
Classification: Uncertain significance for Hereditary cancer-predisposing syndrome. Last evaluated: 2024-03-06. Review status: criteria provided, single submitter. Criteria: ACMG Guidelines, 2015. Collection method: clinical testing. Allele origin: germline.
Comment: This missense variant replaces valine with isoleucine at codon 143 of the MSH6 protein. Computational prediction suggests that this variant may not impact protein structure and function (internally defined REVEL score threshold <= 0.5, PMID: 27666373). To our knowledge, functional studies have not been reported for this variant. This variant has not been reported in individuals affected with MSH6-related disorders in the literature. This variant has not been identified in the general population by the Genome Aggregation Database (gnomAD). The available evidence is insufficient to determine the role of this variant in disease conclusively. Therefore, this variant is classified as a Variant of Uncertain Significance.

Women's Health and Genetics/Laboratory Corporation of America, LabCorp
Classification: Uncertain significance. Last evaluated: 2020-03-06. Review status: criteria provided, single submitter. Criteria: LabCorp Variant Classification Summary - May 2015. Collection method: clinical testing. Allele origin: germline.
Comment: Variant summary: MSH6 c.427G>A (p.Val143Ile) results in a conservative amino acid change located in the PWWP domain (IPR000313) of the encoded protein sequence. Four of five in-silico tools predict a benign effect of the variant on protein function. The variant was absent in 251476 control chromosomes (gnomAD). The available data on variant occurrences in the general population are insufficient to allow any conclusion about variant significance. To our knowledge, no occurrence of c.427G>A in individuals affected with Lynch Syndrome and no experimental evidence demonstrating its impact on protein function have been reported. One ClinVar submitter (evaluation after 2014) cites the variant as uncertain significance. Based on the evidence outlined above, the variant was classified as uncertain significance.

Department of Pathology and Laboratory Medicine, Sinai Health System
Classification: Uncertain significance for Mismatch repair cancer syndrome 3. Last evaluated: 2020-01-03. Review status: criteria provided, single submitter. Criteria: ACMG Guidelines, 2015. Collection method: clinical testing. Allele origin: germline. Affected: yes.

GeneDx
Classification: Uncertain significance. Last evaluated: 2015-11-05. Review status: criteria provided, single submitter. Criteria: GeneDx Variant Classification (06012015). Collection method: clinical testing. Allele origin: germline. Affected: yes.
Comment: This variant is denoted MSH6 c.427G>A at the cDNA level, p.Val143Ile (V143I) at the protein level, and results in the change of a Valine to an Isoleucine (GTT>ATT). This variant has not, to our knowledge, been published in the literature as pathogenic or benign. MSH6 Val143Ile was not observed in approximately 6,500 individuals of European and African American ancestry in the NHLBI Exome Sequencing Project, suggesting it is not a common benign variant in these populations. Since Valine and Isoleucine share similar properties, this is considered a conservative amino acid substitution. MSH6 Val143Ile occurs at a position that is conserved across species and is located in the PWWP domain (Terui 2013, UniProt). In silico analyses are inconsistent regarding the effect this variant may have on protein structure and function. Based on currently available evidence, it is unclear whether MSH6 Val143Ile is a pathogenic or benign variant. We consider it to be a variant of uncertain significance.

NM_000179.3(MSH6):c.427G>A (p.Val143Ile)

Gene: MSH6 (mutS homolog 6; plus strand). Cytogenetic location: 2p16.3.
Variant type: single nucleotide variant.
Coding change: c.427G>A on transcript NM_000179.3 (MANE Select); coding-DNA position 427, G replaced by A.
Protein change: p.Val143Ile; replaces valine 143 with isoleucine.
Molecular consequence: missense variant. On other transcripts: 5 prime UTR variant (2), intron variant (1).
Genome position (GRCh38, 1-based): chr2:47,791,093, G>A. VCF-style: chr2-47791093-G-A. GRCh37 (hg19) VCF-style: chr2-48018232-G-A.
Other names: c.-310G>A (NM_001281493.2); c.-476G>A (NM_001281494.2); c.238-7518G>A (NM_001281492.2); short protein forms V143I.
Identifiers: ClinVar variation 234600 (VCV000234600.8), dbSNP rs876661110, ClinGen allele CA10577253.
Genomic context (GRCh38, chr2:47,791,093, plus strand): 5'-AAAGGGAAATCAGTCCGTGTTCATGTACAGTTTTTTGATGACAGCCCAACAAGGGGCTGG[G>A]TTAGCAAAAGGCTTTTAAAGCCATATACAGGTAAGAGTCACTACTGCCATGTGTGTGTGT-3'
Protein context (NP_000170.1, residues 133-153): FFDDSPTRGW[Val143Ile]SKRLLKPYTG